The following is an entry in ClinVar:

ClinVar aggregate classification (germline): Uncertain significance. Review status: criteria provided, multiple submitters, no conflicts (2 of 4 stars). 3 submissions from 3 submitters: Uncertain significance (3). Last evaluated 2025-02-19.

Conditions:
Inborn genetic diseases. Identifiers: MedGen C0950123, MeSH D030342.
Inflammatory skin and bowel disease, neonatal, 1. Identifiers: Orphanet 294023, MedGen C3280501, MONDO:0013693, OMIM 614328.

Allele frequency attached by ClinVar (database versions not stated): gnomAD exomes 0.00006 and 0.00002; TOPMed 0.00012; gnomAD 0.00017 and 0.00019; ExAC 0.00002.
gnomAD v4.1: 62 of 1,613,922 alleles (0.0038%); highest among the groups gnomAD compares: Admixed American, 0.057%; no homozygotes.

Submissions (3):

Mayo Clinic Laboratories, Mayo Clinic
Classification: Uncertain significance. Last evaluated: 2025-02-19. Review status: criteria provided, single submitter. Criteria: ACMG Guidelines, 2015. Collection method: clinical testing. Allele origin: germline. Observed: 2 variant alleles.
Comment: BP4

Ambry Genetics
Classification: Uncertain significance for Inborn genetic diseases. Last evaluated: 2024-12-16. Review status: criteria provided, single submitter. Criteria: Ambry Variant Classification Scheme 2023. Collection method: clinical testing. Allele origin: germline.

Labcorp Genetics (formerly Invitae), Labcorp
Classification: Uncertain significance for Inflammatory skin and bowel disease, neonatal, 1. Last evaluated: 2024-10-16. Review status: criteria provided, single submitter. Criteria: Invitae Variant Classification Sherloc (09022015). Collection method: clinical testing. Allele origin: germline.
Comment: This sequence change replaces aspartic acid, which is acidic and polar, with asparagine, which is neutral and polar, at codon 654 of the ADAM17 protein (p.Asp654Asn). This variant is present in population databases (rs758594009, gnomAD 0.03%). This variant has not been reported in the literature in individuals affected with ADAM17-related conditions. ClinVar contains an entry for this variant (Variation ID: 539950). An algorithm developed to predict the effect of missense changes on protein structure and function (PolyPhen-2) suggests that this variant¬†is likely to be tolerated. In summary, the available evidence is currently insufficient to determine the role of this variant in disease. Therefore, it has been classified as a Variant of Uncertain Significance.

NM_003183.6(ADAM17):c.1960G>A (p.Asp654Asn)

Genes: ADAM17 (ADAM metallopeptidase domain 17; minus strand), IAH1 (isoamyl acetate hydrolyzing esterase 1 (putative); plus strand). Cytogenetic location: 2p25.1.
Variant type: single nucleotide variant.
Coding change: c.1960G>A on transcript NM_003183.6 (MANE Select); coding-DNA position 1960, G replaced by A.
Protein change: p.Asp654Asn; replaces aspartic acid 654 with asparagine.
Molecular consequence: missense variant.
Genome position (GRCh38, 1-based): chr2:9,493,780, C>T on the plus strand (G>A on the coding strand, the complement: ADAM17 is on the minus strand). VCF-style: chr2-9493780-C-T. GRCh37 (hg19) VCF-style: chr2-9633909-C-T.
Other names: p.Asp654Asn; c.1960G>A, p.Asp654Asn (LRG_1203t1); c.1960G>A (NM_003183.4); short protein forms D654N.
Identifiers: ClinVar variation 539950 (VCV000539950.13), dbSNP rs758594009, ClinGen allele CA1523368.